The following is an entry in ClinVar:

NM_001127222.2(CACNA1A):c.140T>A (p.Met47Lys)

Gene: CACNA1A (calcium voltage-gated channel subunit alpha1 A; minus strand). Cytogenetic location: 19p13.13.
Variant type: single nucleotide variant.
Coding change: c.140T>A on transcript NM_001127222.2 (MANE Select); coding-DNA position 140, T replaced by A.
Protein change: p.Met47Lys; replaces methionine 47 with lysine.
Molecular consequence: missense variant.
Genome position (GRCh38, 1-based): chr19:13,506,085, A>T on the plus strand (T>A on the coding strand, the complement: CACNA1A is on the minus strand). VCF-style: chr19-13506085-A-T. GRCh37 (hg19) VCF-style: chr19-13616899-A-T.
Other names: c.140T>A, p.Met47Lys (NM_000068.4, NM_001127221.2, NM_001174080.2 and 1 more transcripts); short protein forms M47K.
Identifiers: ClinVar variation 2941714 (VCV002941714.3), dbSNP rs2513709336, ClinGen allele CA404971129.

ClinVar aggregate classification (germline): Uncertain significance (1 of 4 stars; one submission).

Conditions:
Episodic ataxia type 2 (EA2). Also called: CEREBELLAR ATAXIA, PAROXYSMAL, ACETAZOLAMIDE-RESPONSIVE; CEREBELLOPATHY, HEREDITARY PAROXYSMAL; EPISODIC ATAXIA, NYSTAGMUS-ASSOCIATED; ACETAZOLAMIDE-RESPONSIVE HEREDITARY PAROXYSMAL CEREBELLAR ATAXIA; ATAXIA, EPISODIC, WITH NYSTAGMUS; ATAXIA, FAMILIAL PAROXYSMAL. Identifiers: Orphanet 97, MedGen C1720416, MONDO:0007163, OMIM 108500.
Developmental and epileptic encephalopathy, 42 (DEE42A). Also called: Epileptic encephalopathy, early infantile, 42; DEVELOPMENTAL AND EPILEPTIC ENCEPHALOPATHY 42A; EPILEPTIC ENCEPHALOPATHY, EARLY INFANTILE, 42A. Identifiers: MedGen C4310716, MONDO:0014917, OMIM 617106.

Allele frequency attached by ClinVar (database versions not stated): gnomAD exomes below 0.00001.
gnomAD v4.1: 1 of 1,613,458 alleles (0.000062%); highest among the groups gnomAD compares: East Asian, 0.0022%; no homozygotes.

Submission:

Labcorp Genetics (formerly Invitae), Labcorp
Classification: Uncertain significance for Developmental and epileptic encephalopathy, 42; Episodic ataxia type 2. Last evaluated: 2022-11-23. Review status: criteria provided, single submitter. Criteria: Invitae Variant Classification Sherloc (09022015). Collection method: clinical testing. Allele origin: germline.
Comment: This sequence change replaces methionine, which is neutral and non-polar, with lysine, which is basic and polar, at codon 47 of the CACNA1A protein (p.Met47Lys). In summary, the available evidence is currently insufficient to determine the role of this variant in disease. Therefore, it has been classified as a Variant of Uncertain Significance. Algorithms developed to predict the effect of missense changes on protein structure and function (SIFT, PolyPhen-2, Align-GVGD) all suggest that this variant is likely to be tolerated. This variant has not been reported in the literature in individuals affected with CACNA1A-related conditions. This variant is not present in population databases (gnomAD no frequency).